The following is an entry in ClinVar:

NM_002485.5(NBN):c.2108T>C (p.Ile703Thr)

Gene: NBN (nibrin; minus strand). Cytogenetic location: 8q21.3.
Variant type: single nucleotide variant.
Coding change: c.2108T>C on transcript NM_002485.5 (MANE Select); coding-DNA position 2108, T replaced by C.
Protein change: p.Ile703Thr; replaces isoleucine 703 with threonine.
Molecular consequence: missense variant.
Genome position (GRCh38, 1-based): chr8:89,943,329, A>G on the plus strand (T>C on the coding strand, the complement: NBN is on the minus strand). VCF-style: chr8-89943329-A-G. GRCh37 (hg19) VCF-style: chr8-90955557-A-G.
Other names: c.1862T>C, p.Ile621Thr (NM_001024688.3); short protein forms I703T, I621T.
Identifiers: ClinVar variation 461540 (VCV000461540.10), dbSNP rs1554555819, ClinGen allele CA371675685.

ClinVar aggregate classification (germline): Uncertain significance. Review status: criteria provided, multiple submitters, no conflicts (2 of 4 stars). 2 submissions from 2 submitters: Uncertain significance (2). Last evaluated 2023-05-23.

Conditions:
Hereditary cancer-predisposing syndrome. Also called: Hereditary neoplastic syndrome; Neoplastic Syndromes, Hereditary; Tumor predisposition; Hereditary Cancer Syndrome. Identifiers: Orphanet 140162, MedGen C0027672, MeSH D009386, MONDO:0015356.
Microcephaly, normal intelligence and immunodeficiency (NBS). Also called: IMMUNODEFICIENCY, MICROCEPHALY, AND CHROMOSOMAL INSTABILITY; SEEMANOVA SYNDROME II; Nijmegen breakage syndrome; Microcephaly with normal intelligence immunodeficiency and lymphoreticular malignancies; Nonsyndromal microcephaly autosomal recessive with normal intelligence; Seemanova syndrome 2. Identifiers: Orphanet 647, MedGen C0398791, MONDO:0009623, OMIM 251260.

Allele frequency attached by ClinVar (database versions not stated): gnomAD exomes below 0.00001.
gnomAD v4.1: 3 of 1,611,188 alleles (0.00019%); highest among the groups gnomAD compares: Non-Finnish European, 0.00025%; no homozygotes.

Submissions (2):

Ambry Genetics
Classification: Uncertain significance for Hereditary cancer-predisposing syndrome. Last evaluated: 2023-05-23. Review status: criteria provided, single submitter. Criteria: Ambry Variant Classification Scheme 2023. Collection method: clinical testing. Allele origin: germline.
Comment: The p.I703T variant (also known as c.2108T>C), located in coding exon 14 of the NBN gene, results from a T to C substitution at nucleotide position 2108. The isoleucine at codon 703 is replaced by threonine, an amino acid with similar properties. This alteration was detected in 1/5589 German BRCA1/2-negative probands with breast cancer (Hauke J et al. Cancer Med, 2018 Apr;7:1349-1358). This amino acid position is highly conserved in available vertebrate species. In addition, this alteration is predicted to be deleterious by in silico analysis. Since supporting evidence is limited at this time, the clinical significance of this alteration remains unclear.

Labcorp Genetics (formerly Invitae), Labcorp
Classification: Uncertain significance for Microcephaly, normal intelligence and immunodeficiency. Last evaluated: 2022-05-25. Review status: criteria provided, single submitter. Criteria: Invitae Variant Classification Sherloc (09022015). Collection method: clinical testing. Allele origin: germline.
Comment: In summary, the available evidence is currently insufficient to determine the role of this variant in disease. Therefore, it has been classified as a Variant of Uncertain Significance. Algorithms developed to predict the effect of missense changes on protein structure and function are either unavailable or do not agree on the potential impact of this missense change (SIFT: "Tolerated"; PolyPhen-2: "Probably Damaging"; Align-GVGD: "Class C0"). ClinVar contains an entry for this variant (Variation ID: 461540). This variant has not been reported in the literature in individuals affected with NBN-related conditions. This variant is not present in population databases (gnomAD no frequency). This sequence change replaces isoleucine, which is neutral and non-polar, with threonine, which is neutral and polar, at codon 703 of the NBN protein (p.Ile703Thr).

Literature cited by the submitters: PubMed 29522266 (cited by Ambry Genetics).